The following is an entry in ClinVar:

NM_000059.4(BRCA2):c.5163C>G (p.Asn1721Lys)

Gene: BRCA2 (BRCA2 DNA repair associated; plus strand). Cytogenetic location: 13q13.1.
Variant type: single nucleotide variant.
Coding change: c.5163C>G on transcript NM_000059.4 (MANE Select); coding-DNA position 5163, C replaced by G.
Protein change: p.Asn1721Lys; replaces asparagine 1721 with lysine.
Molecular consequence: missense variant.
Genome position (GRCh38, 1-based): chr13:32,339,518, C>G. VCF-style: chr13-32339518-C-G. GRCh37 (hg19) VCF-style: chr13-32913655-C-G.
Other names: short protein forms N1721K.
Identifiers: ClinVar variation 1315615 (VCV001315615.4), dbSNP rs1566231837, ClinGen allele CA387784247.

ClinVar aggregate classification (germline): Conflicting classifications of pathogenicity. Review status: criteria provided, conflicting classifications (1 of 4 stars). 2 submissions from 2 submitters: Uncertain significance (1); Likely benign (1). Last evaluated 2023-03-23.

Conditions:
Hereditary cancer-predisposing syndrome. Also called: Hereditary neoplastic syndrome; Neoplastic Syndromes, Hereditary; Tumor predisposition; Hereditary Cancer Syndrome. Identifiers: Orphanet 140162, MedGen C0027672, MeSH D009386, MONDO:0015356.

Submissions (2):

University of Washington Department of Laboratory Medicine, University of Washington
Classification: Likely benign for Hereditary cancer-predisposing syndrome. Last evaluated: 2023-03-23. Review status: criteria provided, single submitter. Criteria: Dines et al. (Genet Med. 2020). Collection method: curation. Allele origin: germline.
Comment: Missense variant in a coldspot region where missense variants are very unlikely to be pathogenic (PMID:31911673).

BRCA2 exon 11 coldspot. Reclassification based on statistical prior probability.

GeneDx
Classification: Uncertain significance. Last evaluated: 2019-05-20. Review status: criteria provided, single submitter. Criteria: GeneDx Variant Classification Process June 2021. Collection method: clinical testing. Allele origin: germline. Affected: yes.
Comment: Not observed in large population cohorts (Lek et al., 2016); In silico analysis, which includes protein predictors and evolutionary conservation, supports a deleterious effect; Has not been previously published as pathogenic or benign to our knowledge